The following is an entry in ClinVar:

NM_001349232.2(ATG7):c.2080-4_2080-3delinsAT

Gene: ATG7 (autophagy related 7; plus strand). Cytogenetic location: 3p25.3.
Variant type: Indel.
Coding change: c.2080-4_2080-3delinsAT on transcript NM_001349232.2 (MANE Select); 4 bases into the intron before coding-DNA position 2080 through 3 bases into the intron before coding-DNA position 2080, GC replaced by AT.
Molecular consequence: intron variant.
Genome position (GRCh38, 1-based): chr3:11,554,807-11,554,808, GC replaced by AT. VCF-style: chr3-11554807-GC-AT. GRCh37 (hg19) VCF-style: chr3-11596281-GC-AT.
Other names: c.1147-9452_1147-9451delinsAT (NM_001349238.2); c.2080-4_2080-3delinsAT (NM_001349233.2, NM_001349235.2, NM_001349234.2 and 1 more transcripts); c.1999-4_1999-3delinsAT (NM_001136031.3); c.1921-4_1921-3delinsAT (NM_001349237.2); c.1963-4_1963-3delinsAT (NM_001349236.2); c.1840-4_1840-3delinsAT (NM_001144912.2).
Identifiers: ClinVar variation 4997462 (VCV004997462.1).
Genomic context (GRCh38, chr3:11,554,807, plus strand): 5'-CATCTGTGTGCCCCCCACCGGGCAGTGGGACATCTCGGCTGAGCCTCTCCCCTTCTCCAT[GC>AT]AGATCTGGGACATGAGCGATGATGAGACCATCTGAGATGGCCCCGCTGTGGGGCTGACTT-3'

ClinVar aggregate classification (germline): Likely benign (1 of 4 stars; one submission).

Conditions:
ATG7-related disorder. Also called: ATG7-related condition.

Submission:

PreventionGenetics, part of Exact Sciences
Classification: Likely benign for ATG7-related condition. Last evaluated: 2025-02-17. Review status: criteria provided, single submitter. Criteria: ACMG Guidelines, 2015. Collection method: clinical testing. Allele origin: germline.
Comment: This variant is classified as likely benign based on ACMG/AMP sequence variant interpretation guidelines (Richards et al. 2015 PMID: 25741868, with internal and published modifications).